The following is an entry in ClinVar:

NM_006421.5(ARFGEF1):c.5230G>A (p.Val1744Ile)

Gene: ARFGEF1 (ARF guanine nucleotide exchange factor 1; minus strand). Cytogenetic location: 8q13.2.
Variant type: single nucleotide variant.
Coding change: c.5230G>A on transcript NM_006421.5 (MANE Select); coding-DNA position 5230, G replaced by A.
Protein change: p.Val1744Ile; replaces valine 1744 with isoleucine.
Molecular consequence: missense variant. On other transcripts: non-coding transcript variant (1).
Genome position (GRCh38, 1-based): chr8:67,201,504, C>T on the plus strand (G>A on the coding strand, the complement: ARFGEF1 is on the minus strand). VCF-style: chr8-67201504-C-T. GRCh37 (hg19) VCF-style: chr8-68113739-C-T.
Other names: c.5230G>A, p.Val1744Ile (NM_001413184.1, NM_001413187.1, NM_001413194.1); c.5212G>A, p.Val1738Ile (NM_001413185.1, NM_001413186.1, NM_001413189.1); c.4630G>A, p.Val1544Ile (NM_001413188.1, NM_001413197.1); c.5224G>A, p.Val1742Ile (NM_001413190.1); c.5134G>A, p.Val1712Ile (NM_001413191.1); c.5116G>A, p.Val1706Ile (NM_001413192.1); c.4612G>A, p.Val1538Ile (NM_001413193.1); c.3805G>A, p.Val1269Ile (NM_001413196.1); short protein forms V1269I, V1538I, V1544I, V1706I, V1712I, V1738I, V1742I, V1744I.
Identifiers: ClinVar variation 4821469 (VCV004821469.4).

ClinVar aggregate classification (germline): Likely benign (1 of 4 stars; one submission).

gnomAD v4.1: 316 of 1,612,110 alleles (0.02%); highest among the groups gnomAD compares: South Asian, 0.25%; 2 homozygotes.

Submission:

CeGaT Center for Human Genetics Tuebingen
Classification: Likely benign. Last evaluated: 2026-02-01. Review status: criteria provided, single submitter. Criteria: CeGaT Center For Human Genetics Tuebingen Variant Classification Criteria Version 2. Collection method: clinical testing. Allele origin: germline. Affected: yes. Observed: 1 variant allele.
Comment: ARFGEF1: BP4, BS1